The following is an entry in ClinVar:

ClinVar aggregate classification (germline): Uncertain significance (1 of 4 stars; one submission).

Conditions:
F8-related disorder. Also called: F8-related condition.

Submission:

PreventionGenetics, part of Exact Sciences
Classification: Uncertain significance for F8-related condition. Last evaluated: 2026-04-29. Review status: criteria provided, single submitter. Criteria: ACMG Guidelines, 2015. Collection method: clinical testing. Allele origin: germline.
Comment: The F8 c.1798G>C variant is predicted to result in the amino acid substitution p.Glu600Gln. This variant, referred to as p.Glu581Gln in legacy nomenclature, has been reported in an individual with severe hemophilia A (Miller et al. 2012. PubMed ID: 22103590). An in vitro experimental study noted that the Glu600 amino acid is critical for proper hydrogen bonding and that variants that change this amino acid disrupt the bonding, resulting in severely reduced FVIII activity (Wei W. et al. 2017. PubMed ID: 28327546). Alternate missense variants at the same amino acid position (p.Glu600Ala, p.Glu600Asp, p.Glu600Lys) have been reported in individuals with severe hemophilia (Table S3, Lu et al. 2018. PubMed ID: 29381227; Santacroce et al. 2008. PubMed ID: 18217193; Shinozawa et al. 2021. PubMed ID: 33760382). Although we suspect that the c.1798G>C variant may be pathogenic, at this time, the clinical significance of this variant is uncertain due to the absence of conclusive functional and genetic evidence.

NM_000132.4(F8):c.1798G>C (p.Glu600Gln)

Gene: F8 (coagulation factor VIII; minus strand). Cytogenetic location: Xq28.
Variant type: single nucleotide variant.
Coding change: c.1798G>C on transcript NM_000132.4 (MANE Select); coding-DNA position 1798, G replaced by C.
Protein change: p.Glu600Gln; replaces glutamic acid 600 with glutamine.
Molecular consequence: missense variant.
Genome position (GRCh38, 1-based): chrX:154,953,997, C>G on the plus strand (G>C on the coding strand, the complement: F8 is on the minus strand). VCF-style: chrX-154953997-C-G. GRCh37 (hg19) VCF-style: chrX-154182272-C-G.
Other names: short protein forms E600Q.
Identifiers: ClinVar variation 4992735 (VCV004992735.1).
Genomic context (GRCh38, chrX:154,953,997, plus strand): 5'-CTCCAGCTGGATTGGGGAGAAAGCGTTGTATATTCTCTGTGAGGTACCAGCTTCGGTTCT[C>G]ATCAAATACAGAAAACAGGATGACATTCCTCTTGTCTGACATTATCTGTTAATTACATAT-3'
Protein context (NP_000123.1, residues 590-610): RNVILFSVFD[Glu600Gln]NRSWYLTENI